The following is an entry in ClinVar:

NM_000264.5(PTCH1):c.4251C>A (p.His1417Gln)

Gene: PTCH1 (patched 1; minus strand). Cytogenetic location: 9q22.32.
Variant type: single nucleotide variant.
Coding change: c.4251C>A on transcript NM_000264.5 (MANE Select); coding-DNA position 4251, C replaced by A.
Protein change: p.His1417Gln; replaces histidine 1417 with glutamine.
Molecular consequence: missense variant. On other transcripts: non-coding transcript variant (1).
Genome position (GRCh38, 1-based): chr9:95,447,005, G>T on the plus strand (C>A on the coding strand, the complement: PTCH1 is on the minus strand). VCF-style: chr9-95447005-G-T. GRCh37 (hg19) VCF-style: chr9-98209287-G-T.
Other names: c.4053C>A, p.His1351Gln (NM_001083602.3); c.4248C>A, p.His1416Gln (NM_001083603.3); c.3798C>A, p.His1266Gln (NM_001083604.3, NM_001083605.3, NM_001083606.3 and 1 more transcripts); c.4095C>A, p.His1365Gln (NM_001354918.2); short protein forms H1351Q, H1417Q, H1365Q, H1416Q, H1266Q.
Identifiers: ClinVar variation 1739093 (VCV001739093.3), dbSNP rs371960721, ClinGen allele CA196557448.

ClinVar aggregate classification (germline): Uncertain significance (1 of 4 stars; one submission).

Conditions:
Hereditary cancer-predisposing syndrome. Also called: Hereditary Cancer Syndrome; Hereditary neoplastic syndrome; Neoplastic Syndromes, Hereditary; Tumor predisposition. Identifiers: Orphanet 140162, MedGen C0027672, MeSH D009386, MONDO:0015356.

gnomAD v4.1: 1 of 1,614,084 alleles (0.000062%); highest among the groups gnomAD compares: African/African-American, 0.0013%; no homozygotes.

Submission:

Ambry Genetics
Classification: Uncertain significance for Hereditary cancer-predisposing syndrome. Last evaluated: 2024-10-11. Review status: criteria provided, single submitter. Criteria: Ambry Variant Classification Scheme 2023. Collection method: clinical testing. Allele origin: germline.
Comment: The p.H1417Q variant (also known as c.4251C>A), located in coding exon 23 of the PTCH1 gene, results from a C to A substitution at nucleotide position 4251. The histidine at codon 1417 is replaced by glutamine, an amino acid with highly similar properties. This amino acid position is conserved. In addition, this alteration is predicted to be tolerated by in silico analysis. Since supporting evidence is limited at this time, the clinical significance of this alteration remains unclear.